The following is an entry in ClinVar:

ClinVar aggregate classification (germline): Uncertain significance (1 of 4 stars; one submission).

gnomAD v4.1: 4 of 1,612,476 alleles (0.00025%); highest among the groups gnomAD compares: Admixed American, 0.0017%; no homozygotes.

Submission:

Labcorp Genetics (formerly Invitae), Labcorp
Classification: Uncertain significance. Last evaluated: 2025-03-23. Review status: criteria provided, single submitter. Criteria: Invitae Variant Classification Sherloc (09022015). Collection method: clinical testing. Allele origin: germline.
Comment: This sequence change replaces leucine, which is neutral and non-polar, with valine, which is neutral and non-polar, at codon 404 of the DVL1 protein (p.Leu404Val). This variant is present in population databases (no rsID available, gnomAD 0.003%). This variant has not been reported in the literature in individuals affected with DVL1-related conditions. ClinVar contains an entry for this variant (Variation ID: 2130059). Invitae Evidence Modeling of protein sequence and biophysical properties (such as structural, functional, and spatial information, amino acid conservation, physicochemical variation, residue mobility, and thermodynamic stability) indicates that this missense variant is expected to disrupt DVL1 protein function with a positive predictive value of 80%. In summary, the available evidence is currently insufficient to determine the role of this variant in disease. Therefore, it has been classified as a Variant of Uncertain Significance.

NM_001330311.2(DVL1):c.1285C>G (p.Leu429Val)

Gene: DVL1 (dishevelled segment polarity protein 1; minus strand). Cytogenetic location: 1p36.33.
Variant type: single nucleotide variant.
Coding change: c.1285C>G on transcript NM_001330311.2 (MANE Select); coding-DNA position 1285, C replaced by G.
Protein change: p.Leu429Val; replaces leucine 429 with valine.
Molecular consequence: missense variant.
Genome position (GRCh38, 1-based): chr1:1,338,576, G>C on the plus strand (C>G on the coding strand, the complement: DVL1 is on the minus strand). VCF-style: chr1-1338576-G-C. GRCh37 (hg19) VCF-style: chr1-1273956-G-C.
Other names: c.1210C>G, p.Leu404Val (NM_004421.3); short protein forms L429V, L404V.
Identifiers: ClinVar variation 2130059 (VCV002130059.4), dbSNP rs770238250, ClinGen allele CA337863726.
Genomic context (GRCh38, chr1:1,338,576, plus strand): 5'-ACTCACCGATGACGGCATTGGCGATGGTGATCTTGAGCCACATGCGGTCGCGGATCTCCA[G>C]TCCCGAGTCTGGCAGCTGCATGACCCGGACGACGGCGCTCATGTCACTCTTCACCGTCAG-3'
Protein context (NP_001317240.1, residues 419-439): VRVMQLPDSG[Leu429Val]EIRDRMWLKI